The following is an entry in ClinVar:

NM_001370259.2(MEN1):c.711G>A (p.Ala237=)

Gene: MEN1 (menin 1; minus strand). Cytogenetic location: 11q13.1.
Variant type: single nucleotide variant.
Coding change: c.711G>A on transcript NM_001370259.2 (MANE Select); coding-DNA position 711, G replaced by A.
Protein change: p.Ala237=; no amino-acid change (alanine 237 retained).
Molecular consequence: synonymous variant.
Genome position (GRCh38, 1-based): chr11:64,807,624, C>T on the plus strand (G>A on the coding strand, the complement: MEN1 is on the minus strand). VCF-style: chr11-64807624-C-T. GRCh37 (hg19) VCF-style: chr11-64575096-C-T.
Other names: c.726G>A, p.Ala242= (NM_000244.4, NM_130800.3, NM_130801.3 and 3 more transcripts); c.711G>A, p.Ala237= (NM_001370251.2, NM_001370260.2, NM_001370261.2 and 1 more transcripts); c.606G>A, p.Ala202= (NM_001370262.2, NM_001370263.2).
Identifiers: ClinVar variation 412573 (VCV000412573.20), dbSNP rs144677807, ClinGen allele CA061472.

ClinVar aggregate classification (germline): Benign/Likely benign. Review status: criteria provided, multiple submitters, no conflicts (2 of 4 stars). 6 submissions from 6 submitters: Benign (1); Likely benign (5). Last evaluated 2026-01-16.

Conditions:
Hereditary cancer-predisposing syndrome. Also called: Neoplastic Syndromes, Hereditary; Tumor predisposition; Hereditary Cancer Syndrome; Hereditary neoplastic syndrome. Identifiers: Orphanet 140162, MedGen C0027672, MeSH D009386, MONDO:0015356.
Multiple endocrine neoplasia, type 1 (MEN1). Also called: MEN I; WERMER SYNDROME; Endocrine adenomatosis multiple; MEN 1; MEA I. Identifiers: Orphanet 652, MedGen C0025267, MeSH D018761, MONDO:0007540, OMIM 131100.

Allele frequency attached by ClinVar (database versions not stated): ExAC 0.00001; gnomAD 0.00001; gnomAD exomes 0.00001; TOPMed 0.00004; ESP Exome Variant Server 0.00008.
gnomAD v4.1: 20 of 1,614,068 alleles (0.0012%); highest among the groups gnomAD compares: South Asian, 0.0066%; no homozygotes.

Submissions (6):

Labcorp Genetics (formerly Invitae), Labcorp
Classification: Likely benign for Multiple endocrine neoplasia, type 1. Last evaluated: 2026-01-16. Review status: criteria provided, single submitter. Criteria: Invitae Variant Classification Sherloc (09022015). Collection method: clinical testing. Allele origin: germline.

Myriad Genetics, Inc.
Classification: Benign for Multiple endocrine neoplasia, type 1. Last evaluated: 2024-11-01. Review status: criteria provided, single submitter. Criteria: Myriad Autosomal Dominant, Autosomal Recessive and X-Linked Classification Criteria (2023). Collection method: clinical testing. Allele origin: unknown.
Comment: This variant is considered benign. This variant is a silent/synonymous amino acid change and it is not expected to impact splicing.

Blueprint Genetics
Classification: Likely benign. Last evaluated: 2024-02-05. Review status: criteria provided, single submitter. Criteria: ACMG Guidelines, 2015. Collection method: clinical testing. Allele origin: germline.

All of Us Research Program, National Institutes of Health
Classification: Likely benign for Multiple endocrine neoplasia, type 1. Last evaluated: 2023-12-14. Review status: criteria provided, single submitter. Criteria: ACMG Guidelines, 2015. Collection method: clinical testing. Allele origin: germline. Inheritance: Autosomal dominant inheritance. Observed: 2 variant alleles, 2 heterozygotes.
Comment: This study involves interpretation of variants in research participants for the purpose of population health screening. Participant phenotype was not available at the time of variant classification. Additional details can be found in publication PMID: 35346344, PMCID: PMC8962531

Color Diagnostics, LLC DBA Color Health
Classification: Likely benign for Multiple endocrine neoplasia, type 1. Last evaluated: 2022-11-06. Review status: criteria provided, single submitter. Criteria: ACMG Guidelines, 2015. Collection method: clinical testing. Allele origin: germline.

Ambry Genetics
Classification: Likely benign for Hereditary cancer-predisposing syndrome. Last evaluated: 2017-05-17. Review status: criteria provided, single submitter. Criteria: Ambry Variant Classification Scheme 2023. Collection method: clinical testing. Allele origin: germline.